The following is an entry in ClinVar:

ClinVar aggregate classification (germline): Uncertain significance (1 of 4 stars; one submission).

Submission:

Labcorp Genetics (formerly Invitae), Labcorp
Classification: Uncertain significance. Last evaluated: 2023-06-07. Review status: criteria provided, single submitter. Criteria: Invitae Variant Classification Sherloc (09022015). Collection method: clinical testing. Allele origin: germline.
Comment: In summary, the available evidence is currently insufficient to determine the role of this variant in disease. Therefore, it has been classified as a Variant of Uncertain Significance. Advanced modeling of protein sequence and biophysical properties (such as structural, functional, and spatial information, amino acid conservation, physicochemical variation, residue mobility, and thermodynamic stability) performed at Invitae indicates that this missense variant is expected to disrupt POLE protein function. ClinVar contains an entry for this variant (Variation ID: 863493). This variant has not been reported in the literature in individuals affected with POLE-related conditions. This variant is not present in population databases (gnomAD no frequency). This sequence change replaces threonine, which is neutral and polar, with proline, which is neutral and non-polar, at codon 745 of the POLE protein (p.Thr745Pro).

NM_006231.4(POLE):c.2233A>C (p.Thr745Pro)

Gene: POLE (DNA polymerase epsilon, catalytic subunit; minus strand). Cytogenetic location: 12q24.33.
Variant type: single nucleotide variant.
Coding change: c.2233A>C on transcript NM_006231.4 (MANE Select); coding-DNA position 2233, A replaced by C.
Protein change: p.Thr745Pro; replaces threonine 745 with proline.
Molecular consequence: missense variant.
Genome position (GRCh38, 1-based): chr12:132,667,589, T>G on the plus strand (A>C on the coding strand, the complement: POLE is on the minus strand). VCF-style: chr12-132667589-T-G. GRCh37 (hg19) VCF-style: chr12-133244175-T-G.
Other names: short protein forms T745P.
Identifiers: ClinVar variation 863493 (VCV000863493.9), dbSNP rs2042825443, ClinGen allele CA387352251.